The following is an entry in ClinVar:

ClinVar aggregate classification (germline): Uncertain significance. Review status: criteria provided, multiple submitters, no conflicts (2 of 4 stars). 4 submissions from 4 submitters: Uncertain significance (4). Last evaluated 2025-07-07.

Conditions:
Intellectual developmental disorder, autosomal recessive 5. Also called: Intellectual disability, autosomal recessive 5. Identifiers: Orphanet 88616, MedGen C1970199, MONDO:0012613, OMIM 611091.
Inborn genetic diseases. Identifiers: MedGen C0950123, MeSH D030342.

Allele frequency attached by ClinVar (database versions not stated): ExAC 0.00004; gnomAD 0.00013; ESP Exome Variant Server 0.00023.
gnomAD v4.1: 65 of 1,613,864 alleles (0.004%); highest among the groups gnomAD compares: African/African-American, 0.043%; no homozygotes.

Submissions (4):

GeneDx
Classification: Uncertain significance. Last evaluated: 2025-07-07. Review status: criteria provided, single submitter. Criteria: GeneDx Variant Classification Process June 2021. Collection method: clinical testing. Allele origin: germline. Affected: yes.
Comment: In silico analysis supports that this missense variant has a deleterious effect on protein structure/function; Has not been previously published as pathogenic or benign to our knowledge

Revvity Omics, Revvity
Classification: Uncertain significance for Intellectual developmental disorder, autosomal recessive 5. Last evaluated: 2023-03-19. Review status: criteria provided, single submitter. Criteria: ACMG Guidelines, 2015. Collection method: clinical testing. Allele origin: germline.

Labcorp Genetics (formerly Invitae), Labcorp
Classification: Uncertain significance. Last evaluated: 2022-11-28. Review status: criteria provided, single submitter. Criteria: Invitae Variant Classification Sherloc (09022015). Collection method: clinical testing. Allele origin: germline.
Comment: This sequence change replaces proline, which is neutral and non-polar, with leucine, which is neutral and non-polar, at codon 39 of the NSUN2 protein (p.Pro39Leu). In summary, the available evidence is currently insufficient to determine the role of this variant in disease. Therefore, it has been classified as a Variant of Uncertain Significance. Advanced modeling of protein sequence and biophysical properties (such as structural, functional, and spatial information, amino acid conservation, physicochemical variation, residue mobility, and thermodynamic stability) performed at Invitae indicates that this missense variant is not expected to disrupt NSUN2 protein function. This variant has not been reported in the literature in individuals affected with NSUN2-related conditions. This variant is present in population databases (rs149512747, gnomAD 0.03%).

Ambry Genetics
Classification: Uncertain significance for Inborn genetic diseases. Last evaluated: 2021-09-16. Review status: criteria provided, single submitter. Criteria: Ambry Variant Classification Scheme 2023. Collection method: clinical testing. Allele origin: germline.

NM_017755.6(NSUN2):c.116C>T (p.Pro39Leu)

Gene: NSUN2 (NOP2/Sun RNA methyltransferase 2; minus strand). Cytogenetic location: 5p15.31.
Variant type: single nucleotide variant.
Coding change: c.116C>T on transcript NM_017755.6 (MANE Select); coding-DNA position 116, C replaced by T.
Protein change: p.Pro39Leu; replaces proline 39 with leucine.
Molecular consequence: missense variant. On other transcripts: non-coding transcript variant (1).
Genome position (GRCh38, 1-based): chr5:6,632,737, G>A on the plus strand (C>T on the coding strand, the complement: NSUN2 is on the minus strand). VCF-style: chr5-6632737-G-A. GRCh37 (hg19) VCF-style: chr5-6632850-G-A.
Other names: c.116C>T, p.Pro39Leu (NM_001193455.2); short protein forms P39L.
Identifiers: ClinVar variation 1739169 (VCV001739169.10), dbSNP rs149512747, ClinGen allele CA3192927.